The following is an entry in ClinVar:

ClinVar aggregate classification (germline): Uncertain significance. Review status: criteria provided, multiple submitters, no conflicts (2 of 4 stars). 2 submissions from 2 submitters: Uncertain significance (2). Last evaluated 2025-07-15.

Conditions:
Inborn genetic diseases. Identifiers: MedGen C0950123, MeSH D030342.

gnomAD v4.1: 1 of 1,614,254 alleles (0.000062%); highest among the groups gnomAD compares: Non-Finnish European, 0.000085%; no homozygotes.

Submissions (2):

Labcorp Genetics (formerly Invitae), Labcorp
Classification: Uncertain significance. Last evaluated: 2025-07-15. Review status: criteria provided, single submitter. Criteria: Invitae Variant Classification Sherloc (09022015). Collection method: clinical testing. Allele origin: germline.
Comment: This sequence change replaces isoleucine, which is neutral and non-polar, with valine, which is neutral and non-polar, at codon 80 of the KAT6A protein (p.Ile80Val). This variant is not present in population databases (gnomAD no frequency). This variant has not been reported in the literature in individuals affected with KAT6A-related conditions. ClinVar contains an entry for this variant (Variation ID: 3862475). Invitae Evidence Modeling of protein sequence and biophysical properties (such as structural, functional, and spatial information, amino acid conservation, physicochemical variation, residue mobility, and thermodynamic stability) indicates that this missense variant is not expected to disrupt KAT6A protein function with a negative predictive value of 95%. In summary, the available evidence is currently insufficient to determine the role of this variant in disease. Therefore, it has been classified as a Variant of Uncertain Significance.

Ambry Genetics
Classification: Uncertain significance for Inborn genetic diseases. Last evaluated: 2025-02-26. Review status: criteria provided, single submitter. Criteria: Ambry Variant Classification Scheme 2023. Collection method: clinical testing. Allele origin: germline.

NM_006766.5(KAT6A):c.238A>G (p.Ile80Val)

Gene: KAT6A (lysine acetyltransferase 6A; minus strand). Cytogenetic location: 8p11.21.
Variant type: single nucleotide variant.
Coding change: c.238A>G on transcript NM_006766.5 (MANE Select); coding-DNA position 238, A replaced by G.
Protein change: p.Ile80Val; replaces isoleucine 80 with valine.
Molecular consequence: missense variant.
Genome position (GRCh38, 1-based): chr8:42,048,740, T>C on the plus strand (A>G on the coding strand, the complement: KAT6A is on the minus strand). VCF-style: chr8-42048740-T-C. GRCh37 (hg19) VCF-style: chr8-41906258-T-C.
Other names: c.238A>G, p.Ile80Val (NM_001305878.2); short protein forms I80V.
Identifiers: ClinVar variation 3862475 (VCV003862475.2).